The following is an entry in ClinVar:

NM_020975.6(RET):c.1028A>G (p.Asn343Ser)

Gene: RET (ret proto-oncogene; plus strand). Cytogenetic location: 10q11.21.
Variant type: single nucleotide variant.
Coding change: c.1028A>G on transcript NM_020975.6 (MANE Select); coding-DNA position 1028, A replaced by G.
Protein change: p.Asn343Ser; replaces asparagine 343 with serine.
Molecular consequence: missense variant. On other transcripts: intron variant (25).
Genome position (GRCh38, 1-based): chr10:43,106,536, A>G. VCF-style: chr10-43106536-A-G. GRCh37 (hg19) VCF-style: chr10-43601984-A-G.
Other names: c.1028A>G, p.Asn343Ser (NM_000323.2, NM_001406743.1, NM_001406744.1 and 6 more transcripts); c.266A>G, p.Asn89Ser (NM_001355216.2); c.899A>G, p.Asn300Ser (NM_001406761.1, NM_001406762.1, NM_001406764.1 and 1 more transcripts); c.740A>G, p.Asn247Ser (NM_001406766.1, NM_001406767.1, NM_001406770.1); c.867+1343A>G (NM_001406772.1, NM_001406769.1); c.626-2495A>G (NM_001406773.1, NM_001406771.1); c.625+3907A>G (NM_001406782.1, NM_001406780.1, NM_001406779.1 and 3 more transcripts); c.738+1343A>G (NM_001406774.1); and 5 more; short protein forms N300S, N89S, N247S, N343S.
Identifiers: ClinVar variation 2906941 (VCV002906941.4), dbSNP rs776300640, ClinGen allele CA030720.

ClinVar aggregate classification (germline): Uncertain significance. Review status: criteria provided, multiple submitters, no conflicts (2 of 4 stars). 2 submissions from 2 submitters: Uncertain significance (2). Last evaluated 2025-11-30.

Conditions:
Hereditary cancer-predisposing syndrome. Also called: Hereditary Cancer Syndrome; Hereditary neoplastic syndrome; Tumor predisposition; Neoplastic Syndromes, Hereditary. Identifiers: Orphanet 140162, MedGen C0027672, MeSH D009386, MONDO:0015356.
Multiple endocrine neoplasia, type 2 (MEN2). Identifiers: Orphanet 653, MedGen C4048306, MONDO:0019003. Disease mechanism: gain of function.

Allele frequency attached by ClinVar (database versions not stated): gnomAD 0.00001.
gnomAD v4.1: 7 of 1,613,682 alleles (0.00043%); highest among the groups gnomAD compares: South Asian, 0.0077%; no homozygotes.

Submissions (2):

Ambry Genetics
Classification: Uncertain significance for Hereditary cancer-predisposing syndrome. Last evaluated: 2025-11-30. Review status: criteria provided, single submitter. Criteria: Ambry Variant Classification Scheme 2023. Collection method: clinical testing. Allele origin: germline.
Comment: The p.N343S variant (also known as c.1028A>G), located in coding exon 5 of the RET gene, results from an A to G substitution at nucleotide position 1028. The asparagine at codon 343 is replaced by serine, an amino acid with highly similar properties. This amino acid position is conserved. In addition, this alteration is predicted to be tolerated by in silico analysis. Based on the available evidence, the clinical significance of this variant remains unclear.

Labcorp Genetics (formerly Invitae), Labcorp
Classification: Uncertain significance for Multiple endocrine neoplasia, type 2. Last evaluated: 2023-03-31. Review status: criteria provided, single submitter. Criteria: Invitae Variant Classification Sherloc (09022015). Collection method: clinical testing. Allele origin: germline.
Comment: This variant has not been reported in the literature in individuals affected with RET-related conditions. In summary, the available evidence is currently insufficient to determine the role of this variant in disease. Therefore, it has been classified as a Variant of Uncertain Significance. An algorithm developed to predict the effect of missense changes on protein structure and function (PolyPhen-2) suggests that this variant is likely to be tolerated. This variant is present in population databases (rs776300640, gnomAD 0.007%). This sequence change replaces asparagine, which is neutral and polar, with serine, which is neutral and polar, at codon 343 of the RET protein (p.Asn343Ser).